The following is an entry in ClinVar:

ClinVar aggregate classification (germline): Uncertain significance (1 of 4 stars; one submission).

Conditions:
Megalencephaly-polymicrogyria-postaxial polydactyly-hydrocephalus syndrome. Also called: MPPH Syndrome; MEG-PMG-MEGACC SYNDROME. Identifiers: Orphanet 83473, MedGen C1863924, MONDO:0019375.

Allele frequency attached by ClinVar (database versions not stated): gnomAD exomes below 0.00001.
gnomAD v4.1: 1 of 1,576,232 alleles (0.000063%); highest among the groups gnomAD compares: Non-Finnish European, 0.000086%; no homozygotes.

Submission:

Labcorp Genetics (formerly Invitae), Labcorp
Classification: Uncertain significance for Megalencephaly-polymicrogyria-postaxial polydactyly-hydrocephalus syndrome. Last evaluated: 2022-10-25. Review status: criteria provided, single submitter. Criteria: Invitae Variant Classification Sherloc (09022015). Collection method: clinical testing. Allele origin: germline.
Comment: In summary, the available evidence is currently insufficient to determine the role of this variant in disease. Therefore, it has been classified as a Variant of Uncertain Significance. Variants that disrupt the consensus splice site are a relatively common cause of aberrant splicing (PMID: 17576681, 9536098). Algorithms developed to predict the effect of sequence changes on RNA splicing suggest that this variant may disrupt the consensus splice site. This variant has not been reported in the literature in individuals affected with PIK3R2-related conditions. This variant is not present in population databases (gnomAD no frequency). This sequence change falls in intron 13 of the PIK3R2 gene. It does not directly change the encoded amino acid sequence of the PIK3R2 protein. It affects a nucleotide within the consensus splice site.

Literature cited by the submitters: PubMed 17576681; PubMed 9536098.

NM_005027.4(PIK3R2):c.1736+5G>C

Gene: PIK3R2 (phosphoinositide-3-kinase regulatory subunit 2; plus strand). Cytogenetic location: 19p13.11.
Variant type: single nucleotide variant.
Coding change: c.1736+5G>C on transcript NM_005027.4 (MANE Select); 5 bases into the intron after coding-DNA position 1736, G replaced by C.
Molecular consequence: intron variant.
Genome position (GRCh38, 1-based): chr19:18,167,311, G>C. VCF-style: chr19-18167311-G-C. GRCh37 (hg19) VCF-style: chr19-18278121-G-C.
Identifiers: ClinVar variation 1930519 (VCV001930519.5), dbSNP rs2513570984, ClinGen allele CA2580096742.